The following is an entry in ClinVar:

NM_000038.6(APC):c.7882C>T (p.Gln2628Ter)

Gene: APC (APC regulator of Wnt signaling pathway; plus strand). Cytogenetic location: 5q22.2.
Variant type: single nucleotide variant.
Coding change: c.7882C>T on transcript NM_000038.6 (MANE Select); coding-DNA position 7882, C replaced by T.
Protein change: p.Gln2628Ter; replaces glutamine 2628 with a stop codon.
Molecular consequence: nonsense.
Genome position (GRCh38, 1-based): chr5:112,843,476, C>T. VCF-style: chr5-112843476-C-T. GRCh37 (hg19) VCF-style: chr5-112179173-C-T.
Other names: c.7882C>T, p.Gln2628Ter (NM_001127510.3, NM_001354895.2, NM_001407450.1); c.7828C>T, p.Gln2610Ter (NM_001127511.3); c.7936C>T, p.Gln2646Ter (NM_001354896.2, NM_001407447.1, NM_001407448.1 and 1 more transcripts); c.7912C>T, p.Gln2638Ter (NM_001354897.2); c.7807C>T, p.Gln2603Ter (NM_001354898.2); c.7798C>T, p.Gln2600Ter (NM_001354899.2); c.7759C>T, p.Gln2587Ter (NM_001354900.2); c.7705C>T, p.Gln2569Ter (NM_001354901.2, NM_001407453.1); and 11 more; short protein forms Q2244*, Q2345*, Q2545*, Q2587*, Q2646*, Q2600*, Q2603*, Q2638*.
Identifiers: ClinVar variation 2068290 (VCV002068290.8), dbSNP rs1561619003, ClinGen allele CA16038457.
Genomic context (GRCh38, chr5:112,843,476, plus strand): 5'-GCAAAAGGAACATGGAGAAAAATAAAAGAAAATGAATTTTCTCCCACAAATAGTACTTCT[C>T]AGACCGTTTCCTCAGGTGCTACAAATGGTGCTGAATCAAAGACTCTAATTTATCAAATGG-3'

ClinVar aggregate classification (germline): Pathogenic/Likely pathogenic. Review status: criteria provided, multiple submitters, no conflicts (2 of 4 stars). 3 submissions from 3 submitters: Pathogenic (2); Likely pathogenic (1). Last evaluated 2023-05-16.

Conditions:
Hereditary cancer-predisposing syndrome. Also called: Neoplastic Syndromes, Hereditary; Hereditary Cancer Syndrome; Tumor predisposition; Hereditary neoplastic syndrome. Identifiers: Orphanet 140162, MedGen C0027672, MeSH D009386, MONDO:0015356.
Familial adenomatous polyposis 1 (FAP1). Also called: FAMILIAL ADENOMATOUS POLYPOSIS 1, ATTENUATED; POLYPOSIS, ADENOMATOUS INTESTINAL. Identifiers: MedGen C2713442, MONDO:0021056, OMIM 175100. Disease mechanism: loss of function.

Submissions (3):

Myriad Genetics, Inc.
Classification: Pathogenic for Familial adenomatous polyposis 1. Last evaluated: 2023-05-16. Review status: criteria provided, single submitter. Criteria: Myriad Autosomal Dominant, Autosomal Recessive and X-Linked Classification Criteria (2023). Collection method: clinical testing. Allele origin: unknown.
Comment: This variant is considered pathogenic. This variant creates a termination codon and is predicted to result in premature protein truncation.

Labcorp Genetics (formerly Invitae), Labcorp
Classification: Pathogenic for Familial adenomatous polyposis 1. Last evaluated: 2022-01-05. Review status: criteria provided, single submitter. Criteria: Invitae Variant Classification Sherloc (09022015). Collection method: clinical testing. Allele origin: germline.
Comment: This variant is expected to disrupt the EB1 and HDLG binding sites, which mediate interactions with the cytoskeleton (PMID: 15311282, 17293347). While functional studies have not been performed to directly test the effect on APC protein function, this suggests that disruption of the C-terminal portion of the protein is functionally important. For these reasons, this variant has been classified as Pathogenic. A different truncation (p.Tyr2645Lysfs*14) that lies downstream of this variant has been determined to be pathogenic (PMID: 9824584, 1316610, 27081525, 8381579, 22135120, Invitae). This suggests that deletion of this region of the APC protein is causative of disease. This variant has not been reported in the literature in individuals affected with APC-related conditions. This variant is not present in population databases (gnomAD no frequency). This sequence change creates a premature translational stop signal (p.Gln2628*) in the APC gene. While this is not anticipated to result in nonsense mediated decay, it is expected to disrupt the last 216 amino acid(s) of the APC protein.

Color Diagnostics, LLC DBA Color Health
Classification: Likely pathogenic for Hereditary cancer-predisposing syndrome. Last evaluated: 2021-08-23. Review status: criteria provided, single submitter. Criteria: ACMG Guidelines, 2015. Collection method: clinical testing. Allele origin: germline.
Comment: This variant changes 1 nucleotide in exon 16 of the APC gene, creating a premature translation stop signal in the last exon. This mutant transcript is predicted to escape nonsense-mediated decay and be expressed as a truncated protein. Although functional studies have not been reported, this variant is expected to disrupt the EB1 and HDLG binding domains. To our knowledge, this variant has not been reported in individuals affected with hereditary cancer in the literature. This variant has not been identified in the general population by the Genome Aggregation Database (gnomAD). Loss of APC function is a known mechanism of disease. The available evidence is insufficient to determine the role of this variant in disease conclusively. Therefore, this variant is classified as Likely Pathogenic.

Literature cited by the submitters: PubMed 15311282 (cited by Labcorp Genetics (formerly Invitae), Labcorp); PubMed 17293347 (cited by Labcorp Genetics (formerly Invitae), Labcorp); PubMed 9824584 (cited by Labcorp Genetics (formerly Invitae), Labcorp); PubMed 1316610 (cited by Labcorp Genetics (formerly Invitae), Labcorp); PubMed 27081525 (cited by Labcorp Genetics (formerly Invitae), Labcorp); PubMed 8381579 (cited by Labcorp Genetics (formerly Invitae), Labcorp); PubMed 22135120 (cited by Labcorp Genetics (formerly Invitae), Labcorp).